The following is an entry in ClinVar:

ClinVar aggregate classification (germline): Uncertain significance. Review status: criteria provided, multiple submitters, no conflicts (2 of 4 stars). 4 submissions from 4 submitters: Uncertain significance (4). Last evaluated 2024-11-21.

Conditions:
Fanconi anemia complementation group G. Also called: Fanconi anemia group G; FANCG-Related Fanconi Anemia. Identifiers: Orphanet 84, MedGen C3469527, MONDO:0013565, OMIM 614082.
Inborn genetic diseases. Identifiers: MedGen C0950123, MeSH D030342.
Fanconi anemia (FA). Also called: Fanconi's anemia. Identifiers: Orphanet 84, MedGen C0015625, MeSH D005199, MONDO:0019391.

gnomAD v4.1: 17 of 1,614,186 alleles (0.0011%); highest among the groups gnomAD compares: African/African-American, 0.013%; no homozygotes.

Submissions (4):

Ambry Genetics
Classification: Uncertain significance for Inborn genetic diseases. Last evaluated: 2024-11-21. Review status: criteria provided, single submitter. Criteria: Ambry Variant Classification Scheme 2023. Collection method: clinical testing. Allele origin: germline.
Comment: The p.Y290H variant (also known as c.868T>C), located in coding exon 7 of the FANCG gene, results from a T to C substitution at nucleotide position 868. The tyrosine at codon 290 is replaced by histidine, an amino acid with similar properties. This amino acid position is conserved. In addition, the in silico prediction for this alteration is inconclusive. Based on the available evidence, the clinical significance of this variant remains unclear.

Labcorp Genetics (formerly Invitae), Labcorp
Classification: Uncertain significance for Fanconi anemia. Last evaluated: 2024-08-08. Review status: criteria provided, single submitter. Criteria: Invitae Variant Classification Sherloc (09022015). Collection method: clinical testing. Allele origin: germline.
Comment: This sequence change replaces tyrosine, which is neutral and polar, with histidine, which is basic and polar, at codon 290 of the FANCG protein (p.Tyr290His). This variant is present in population databases (rs571751302, gnomAD 0.007%). This variant has not been reported in the literature in individuals affected with FANCG-related conditions. Advanced modeling of protein sequence and biophysical properties (such as structural, functional, and spatial information, amino acid conservation, physicochemical variation, residue mobility, and thermodynamic stability) performed at Invitae indicates that this missense variant is expected to disrupt FANCG protein function with a positive predictive value of 80%. In summary, the available evidence is currently insufficient to determine the role of this variant in disease. Therefore, it has been classified as a Variant of Uncertain Significance.

Fulgent Genetics
Classification: Uncertain significance for Fanconi anemia complementation group G. Last evaluated: 2024-05-30. Review status: criteria provided, single submitter. Criteria: ACMG Guidelines, 2015. Collection method: clinical testing. Allele origin: germline.

Genetic Services Laboratory, University of Chicago
Classification: Uncertain significance. Last evaluated: 2023-01-29. Review status: criteria provided, single submitter. Criteria: ACMG Guidelines, 2015. Collection method: clinical testing. Allele origin: germline. Affected: no.
Comment: DNA sequence analysis of the FANCG gene demonstrated a sequence change, c.868T>C, in exon 7 that results in an amino acid change, p.Tyr290His. This sequence change does not appear to have been previously described in individuals with FANCG-related disorders. This sequence change has been described in the gnomAD database in 1 individual which corresponds to a population frequency of 0.0004% (dbSNP rs571751302). The p.Tyr290His change affects a highly conserved amino acid residue located in a domain of the FANCG protein that is not known to be functional. In-silico pathogenicity prediction tools (SIFT, PolyPhen2, Align GVGD, REVEL) provide contradictory results for the p.Tyr290His substitution. Due to insufficient evidence and the lack of functional studies, the clinical significance of the p.Tyr290His change remains unknown at this time.

NM_004629.2(FANCG):c.868T>C (p.Tyr290His)

Gene: FANCG (FA complementation group G; minus strand). Cytogenetic location: 9p13.3.
Variant type: single nucleotide variant.
Coding change: c.868T>C on transcript NM_004629.2 (MANE Select); coding-DNA position 868, T replaced by C.
Protein change: p.Tyr290His; replaces tyrosine 290 with histidine.
Molecular consequence: missense variant.
Genome position (GRCh38, 1-based): chr9:35,076,780, A>G on the plus strand (T>C on the coding strand, the complement: FANCG is on the minus strand). VCF-style: chr9-35076780-A-G. GRCh37 (hg19) VCF-style: chr9-35076777-A-G.
Other names: short protein forms Y290H.
Identifiers: ClinVar variation 3512836 (VCV003512836.6).